The following is an entry in ClinVar:

ClinVar aggregate classification (germline): Likely pathogenic (1 of 4 stars; one submission).

Conditions:
Marfan syndrome (MFS). Also called: FBN1-Related Marfan Syndrome; MARFAN SYNDROME, TYPE I; Marfan syndrome type 1; Marfan's syndrome; Marfan syndrome, classic. Identifiers: Orphanet 284963, Orphanet 558, MedGen C0024796, MONDO:0007947, OMIM 154700.

Submission:

3billion
Classification: Likely pathogenic for Marfan syndrome. Last evaluated: 2025-08-01. Review status: criteria provided, single submitter. Criteria: ACMG Guidelines, 2015. Collection method: clinical testing. Allele origin: germline. Affected: yes.
Comment: The variant is not observed in the gnomAD v4.1.0 dataset. Predicted Consequence/Location: Frameshift: predicted to result in a loss or disruption of normal protein function through nonsense-mediated decay (NMD) or protein truncation. Multiple pathogenic variants are reported downstream of the variant. Therefore, this variant is classified as Likely pathogenic according to the recommendation of ACMG/AMP guideline.

NM_000138.5(FBN1):c.382_385del (p.Ser128fs)

Gene: FBN1 (fibrillin 1; minus strand). Cytogenetic location: 15q21.1.
Variant type: Deletion.
Coding change: c.382_385del on transcript NM_000138.5 (MANE Select); coding-DNA positions 382 to 385, 4 bases deleted (AGCT; older notation c.382_385delAGCT).
Protein change: p.Ser128fs; shifts the reading frame from serine 128.
Molecular consequence: frameshift variant.
Genome position (GRCh38, 1-based): chr15:48,600,196-48,600,199, AGCT deleted on the plus strand (AGCT on the coding strand, the reverse complement: FBN1 is on the minus strand); deleting any 4 consecutive bases within chr15:48,600,196-48,600,200 gives the same sequence; the c. name uses the placement nearest the transcript's 3' end. VCF-style (leftmost placement, unchanged base first): chr15-48600195-CAGCT-C. GRCh37 (hg19) VCF-style: chr15-48892392-CAGCT-C.
Other names: c.382_385del, p.Ser128fs (NM_001406716.1, NM_001406717.1); short protein forms S128fs.
Identifiers: ClinVar variation 4855343 (VCV004855343.1).